The following is an entry in ClinVar:

ClinVar aggregate classification (germline): Pathogenic (1 of 4 stars; one submission).

Conditions:
Neuromuscular disease caused by qualitative or quantitative defects of dystrophin. Also called: Qualitative or quantitative defects of dystrophin. Identifiers: Orphanet 207085, MedGen C5679787, MONDO:0016147.

Submission:

Women's Health and Genetics/Laboratory Corporation of America, LabCorp
Classification: Pathogenic for Neuromuscular disease caused by qualitative or quantitative defects of dystrophin. Last evaluated: 2022-04-04. Review status: criteria provided, single submitter. Criteria: LabCorp Variant Classification Summary - May 2015. Collection method: clinical testing. Allele origin: germline.
Comment: Variant summary: The variant identified by MLPA or other technology involves the deletion of exons 45-48 in the DMD gene. A presumed nomenclature of c.(6438+1_6439-1)_(7098+1_7099-1)del has been designated for the purposes of this classification. Although exact breakpoints of this deletion are not known, it is expected to result in a large in-frame deletion change in the DMD gene, a known mechanism of disease. The variant was absent in 16117 control chromosomes. c.(6438+1_6439-1)_(7098+1_7099-1)del has been reported in the literature in individuals affected with Dystrophinopathies. These data indicate that the variant is likely to be associated with disease. To our knowledge, no experimental evidence demonstrating an impact on protein function has been reported. No clinical diagnostic laboratories have submitted clinical-significance assessments for this variant to ClinVar after 2014. Based on the evidence outlined above, the variant was classified as pathogenic.

Literature cited by the submitters: PubMed 25244321; PubMed 26081009.

NC_000023.10:g.(31854937_31893304)_(31986632_32235032)del

Gene: DMD (dystrophin; minus strand). Cytogenetic location: Xp21.1.
Variant type: Deletion.
Identifiers: ClinVar variation 1683299 (VCV001683299.1).